The following is an entry in ClinVar:

ClinVar aggregate classification (germline): Uncertain significance. Review status: criteria provided, multiple submitters, no conflicts (2 of 4 stars). 2 submissions from 2 submitters: Uncertain significance (2). Last evaluated 2023-09-22.

Conditions:
Hypokalemic periodic paralysis, type 1. Also called: HypoPP; Hypokalemic Periodic Paralysis Type 1 (AD). Identifiers: Orphanet 681, MedGen C3714580, MONDO:0042979, OMIM 170400.
Hyperkalemic periodic paralysis. Also called: Familial hyperkalemic periodic paralysis; Gamstorp disease. Identifiers: Orphanet 682, MedGen C0238357, MONDO:0008224, OMIM 170500, HP:0007215.
Paramyotonia congenita of Von Eulenburg. Also called: Eulenburg disease; Myotonia congenita intermittens; Von Eulenburg paramyotonia congenita; Paramyotonia Congenita; PARALYSIS PERIODICA PARAMYOTONICA. Identifiers: Orphanet 684, MedGen C0221055, MONDO:0008195, OMIM 168300. Disease mechanism: loss of function.
Hypokalemic periodic paralysis, type 2 (HOKPP2). Identifiers: Orphanet 681, MedGen C2750061, MONDO:0013234, OMIM 613345.
Potassium-aggravated myotonia. Also called: MYOTONIA CONGENITA, ACETAZOLAMIDE-RESPONSIVE; MYOTONIA CONGENITA, ATYPICAL; SODIUM CHANNEL MUSCLE DISEASE; Myotonia congenita, atypical, acetazolamide-responsive. Identifiers: Orphanet 612, Orphanet 99734, Orphanet 99735, Orphanet 99736, MedGen C2931826, MONDO:0018959, OMIM 608390.
Congenital myasthenic syndrome 16. Identifiers: Orphanet 590, MedGen C3280112, MONDO:0013620, OMIM 614198.

Allele frequency attached by ClinVar (database versions not stated): gnomAD exomes below 0.00001 and 0.00001; gnomAD 0.00001; TOPMed 0.00001.
gnomAD v4.1: 14 of 1,614,036 alleles (0.00087%); highest among the groups gnomAD compares: South Asian, 0.0022%; no homozygotes.

Submissions (2):

Labcorp Genetics (formerly Invitae), Labcorp
Classification: Uncertain significance for Hyperkalemic periodic paralysis. Last evaluated: 2023-09-22. Review status: criteria provided, single submitter. Criteria: Invitae Variant Classification Sherloc (09022015). Collection method: clinical testing. Allele origin: germline.
Comment: In summary, the available evidence is currently insufficient to determine the role of this variant in disease. Therefore, it has been classified as a Variant of Uncertain Significance. Advanced modeling of protein sequence and biophysical properties (such as structural, functional, and spatial information, amino acid conservation, physicochemical variation, residue mobility, and thermodynamic stability) performed at Invitae indicates that this missense variant is expected to disrupt SCN4A protein function. ClinVar contains an entry for this variant (Variation ID: 843444). This variant has not been reported in the literature in individuals affected with SCN4A-related conditions. This variant is present in population databases (no rsID available, gnomAD 0.003%). This sequence change replaces arginine, which is basic and polar, with cysteine, which is neutral and slightly polar, at codon 741 of the SCN4A protein (p.Arg741Cys).

Fulgent Genetics
Classification: Uncertain significance for Paramyotonia congenita of Von Eulenburg; Hypokalemic periodic paralysis, type 1; Hyperkalemic periodic paralysis; Potassium-aggravated myotonia; Hypokalemic periodic paralysis, type 2; Congenital myasthenic syndrome 16. Last evaluated: 2022-02-23. Review status: criteria provided, single submitter. Criteria: ACMG Guidelines, 2015. Collection method: clinical testing. Allele origin: unknown.

NM_000334.4(SCN4A):c.2221C>T (p.Arg741Cys)

Genes: GH-LCR (growth hormone locus control region; plus strand), SCN4A (sodium voltage-gated channel alpha subunit 4; minus strand). Cytogenetic location: 17q23.3.
Variant type: single nucleotide variant.
Coding change: c.2221C>T on transcript NM_000334.4 (MANE Select); coding-DNA position 2221, C replaced by T.
Protein change: p.Arg741Cys; replaces arginine 741 with cysteine.
Molecular consequence: missense variant.
Genome position (GRCh38, 1-based): chr17:63,957,317, G>A on the plus strand (C>T on the coding strand, the complement: SCN4A is on the minus strand). VCF-style: chr17-63957317-G-A. GRCh37 (hg19) VCF-style: chr17-62034677-G-A.
Other names: short protein forms R741C.
Identifiers: ClinVar variation 843444 (VCV000843444.11), dbSNP rs1472308847, ClinGen allele CA400630111.